The following is an entry in ClinVar:

ClinVar aggregate classification (germline): Uncertain significance (1 of 4 stars; one submission).

Allele frequency attached by ClinVar (database versions not stated): ExAC 0.00001; gnomAD 0.00001.

Submission:

Labcorp Genetics (formerly Invitae), Labcorp
Classification: Uncertain significance. Last evaluated: 2022-01-04. Review status: criteria provided, single submitter. Criteria: Invitae Variant Classification Sherloc (09022015). Collection method: clinical testing. Allele origin: germline.
Comment: This sequence change replaces arginine, which is basic and polar, with histidine, which is basic and polar, at codon 720 of the TUBGCP6 protein (p.Arg720His). This variant is present in population databases (rs533130736, gnomAD 0.0009%). This variant has not been reported in the literature in individuals affected with TUBGCP6-related conditions. Algorithms developed to predict the effect of missense changes on protein structure and function are either unavailable or do not agree on the potential impact of this missense change (SIFT: "Tolerated"; PolyPhen-2: "Probably Damaging"; Align-GVGD: "Class C0"). In summary, the available evidence is currently insufficient to determine the role of this variant in disease. Therefore, it has been classified as a Variant of Uncertain Significance.

NM_020461.4(TUBGCP6):c.2159G>A (p.Arg720His)

Gene: TUBGCP6 (tubulin gamma complex component 6; minus strand). Cytogenetic location: 22q13.33.
Variant type: single nucleotide variant.
Coding change: c.2159G>A on transcript NM_020461.4 (MANE Select); coding-DNA position 2159, G replaced by A.
Protein change: p.Arg720His; replaces arginine 720 with histidine.
Molecular consequence: missense variant.
Genome position (GRCh38, 1-based): chr22:50,224,252, C>T on the plus strand (G>A on the coding strand, the complement: TUBGCP6 is on the minus strand). VCF-style: chr22-50224252-C-T. GRCh37 (hg19) VCF-style: chr22-50662681-C-T.
Other names: short protein forms R720H.
Identifiers: ClinVar variation 2080735 (VCV002080735.1), dbSNP rs533130736, ClinGen allele CA10308323.